The following is an entry in ClinVar:

NM_006939.4(SOS2):c.3118C>G (p.Pro1040Ala)

Gene: SOS2 (SOS Ras/Rho guanine nucleotide exchange factor 2; minus strand). Cytogenetic location: 14q21.3.
Variant type: single nucleotide variant.
Coding change: c.3118C>G on transcript NM_006939.4 (MANE Select); coding-DNA position 3118, C replaced by G.
Protein change: p.Pro1040Ala; replaces proline 1040 with alanine.
Molecular consequence: missense variant.
Genome position (GRCh38, 1-based): chr14:50,130,720, G>C on the plus strand (C>G on the coding strand, the complement: SOS2 is on the minus strand). VCF-style: chr14-50130720-G-C. GRCh37 (hg19) VCF-style: chr14-50597438-G-C.
Other names: c.3019C>G, p.Pro1007Ala (NM_001411020.1); short protein forms P1007A, P1040A.
Identifiers: ClinVar variation 5018361 (VCV005018361.1).

ClinVar aggregate classification (germline): Uncertain significance (1 of 4 stars; one submission).

Submission:

GeneDx
Classification: Uncertain significance. Last evaluated: 2026-04-10. Review status: criteria provided, single submitter. Criteria: GeneDx Variant Classification Process June 2021. Collection method: clinical testing. Allele origin: germline.
Comment: Not observed at significant frequency in large population cohorts (gnomAD); In silico analysis supports that this missense variant has a deleterious effect on protein structure/function; Has not been previously published as pathogenic or benign to our knowledge